The following is an entry in ClinVar:

ClinVar aggregate classification (germline): Uncertain significance. Review status: criteria provided, multiple submitters, no conflicts (2 of 4 stars). 2 submissions from 2 submitters: Uncertain significance (2). Last evaluated 2025-08-07.

Conditions:
Inborn genetic diseases. Identifiers: MedGen C0950123, MeSH D030342.

Allele frequency attached by ClinVar (database versions not stated): ExAC 0.00002; gnomAD exomes 0.00002.
gnomAD v4.1: 31 of 1,611,184 alleles (0.0019%); highest among the groups gnomAD compares: Non-Finnish European, 0.0026%; no homozygotes.

Submissions (2):

Ambry Genetics
Classification: Uncertain significance for Inborn genetic diseases. Last evaluated: 2025-08-07. Review status: criteria provided, single submitter. Criteria: Ambry Variant Classification Scheme 2023. Collection method: clinical testing. Allele origin: germline.

Labcorp Genetics (formerly Invitae), Labcorp
Classification: Uncertain significance. Last evaluated: 2025-01-08. Review status: criteria provided, single submitter. Criteria: Invitae Variant Classification Sherloc (09022015). Collection method: clinical testing. Allele origin: germline.
Comment: This sequence change replaces serine, which is neutral and polar, with arginine, which is basic and polar, at codon 2729 of the COL7A1 protein (p.Ser2729Arg). This variant is present in population databases (rs528281412, gnomAD 0.004%). This variant has not been reported in the literature in individuals affected with COL7A1-related conditions. ClinVar contains an entry for this variant (Variation ID: 1411377). Invitae Evidence Modeling of protein sequence and biophysical properties (such as structural, functional, and spatial information, amino acid conservation, physicochemical variation, residue mobility, and thermodynamic stability) indicates that this missense variant is not expected to disrupt COL7A1 protein function with a negative predictive value of 95%. In summary, the available evidence is currently insufficient to determine the role of this variant in disease. Therefore, it has been classified as a Variant of Uncertain Significance.

NM_000094.4(COL7A1):c.8187T>G (p.Ser2729Arg)

Gene: COL7A1 (collagen type VII alpha 1 chain; minus strand). Cytogenetic location: 3p21.31.
Variant type: single nucleotide variant.
Coding change: c.8187T>G on transcript NM_000094.4 (MANE Select); coding-DNA position 8187, T replaced by G.
Protein change: p.Ser2729Arg; replaces serine 2729 with arginine.
Molecular consequence: missense variant.
Genome position (GRCh38, 1-based): chr3:48,566,946, A>C on the plus strand (T>G on the coding strand, the complement: COL7A1 is on the minus strand). VCF-style: chr3-48566946-A-C. GRCh37 (hg19) VCF-style: chr3-48604379-A-C.
Other names: c.8187T>G (NM_000094.3); short protein forms S2729R.
Identifiers: ClinVar variation 1411377 (VCV001411377.8), dbSNP rs528281412, ClinGen allele CA2378133.